The following is an entry in ClinVar:

NC_000014.9:g.105856087G>A

Genes: IGH (immunoglobulin heavy locus; minus strand), IGHM (immunoglobulin heavy constant mu; minus strand). Cytogenetic location: 14q32.33.
Variant type: single nucleotide variant.
Genome position: GRCh38 VCF-style: chr14-105856087-G-A. GRCh37 (hg19) VCF-style: chr14-106322192-G-A.
Identifiers: ClinVar variation 427234 (VCV000427234.5), dbSNP rs2142904392, ClinGen allele CA2580088533.

ClinVar aggregate classification (germline): Pathogenic (0 of 4 stars; one submission).

Conditions:
Autosomal recessive agammaglobulinemia 1 (AGM1). Also called: Agammaglobulinemia type 1; AGAMMAGLOBULINEMIA, AUTOSOMAL RECESSIVE, DUE TO IGHM DEFECT. Identifiers: MedGen C3152144, MONDO:0020729, OMIM 601495.

Submission:

Fundacion Publica Galega de Medicina Xenomica, Servicio Galego de Saude
Classification: Pathogenic for Autosomal recessive agammaglobulinemia 1. Last evaluated: 2016-04-15. Review status: no assertion criteria provided. Collection method: clinical testing. Allele origin: maternal. Inheritance: Autosomal recessive inheritance. Affected: yes. Observed: 1 variant allele, 1 compound heterozygote.
Comment: Nonsense mutation, premature stop codon. Predicted truncated protein